The following is an entry in ClinVar:

NM_014140.4(SMARCAL1):c.888_889del (p.Val297fs)

Gene: SMARCAL1 (SNF2 related chromatin remodeling annealing helicase 1; plus strand). Cytogenetic location: 2q35.
Variant type: Deletion.
Coding change: c.888_889del on transcript NM_014140.4 (MANE Select); coding-DNA positions 888 to 889, 2 bases deleted (GG; older notation c.888_889delGG).
Protein change: p.Val297fs; shifts the reading frame from valine 297.
Molecular consequence: frameshift variant.
Genome position (GRCh38, 1-based): chr2:216,420,324-216,420,325, GG deleted. VCF-style (leftmost placement, unchanged base first): chr2-216420323-CGG-C. GRCh37 (hg19) VCF-style: chr2-217285046-CGG-C.
Other names: c.888_889del, p.Val297fs (NM_001127207.2); short protein forms V297fs.
Identifiers: ClinVar variation 2703443 (VCV002703443.3), dbSNP rs2469620729, ClinGen allele CA2697550377.
Genomic context (GRCh38, chr2:216,420,323, plus strand): 5'-CTTTATCACTTCTGTTCGATTCTTCTTCTTTGGCAGTGAAAGCAGCCCAGAGCCTCCCCA[CGG>C]TCAACCTGCAGCCTCTGGAATGGGCCTATGGCAGCAGCGAGTCACCCTCCACCAGCAGTG-3'

ClinVar aggregate classification (germline): Pathogenic (1 of 4 stars; one submission).

Conditions:
Schimke immuno-osseous dysplasia (SIOD). Also called: Schimke Immunoosseous Dysplasia. Identifiers: Orphanet 1830, MedGen C0877024, MONDO:0009458, OMIM 242900.

Submission:

Labcorp Genetics (formerly Invitae), Labcorp
Classification: Pathogenic for Schimke immuno-osseous dysplasia. Last evaluated: 2023-12-15. Review status: criteria provided, single submitter. Criteria: Invitae Variant Classification Sherloc (09022015). Collection method: clinical testing. Allele origin: germline.
Comment: This sequence change creates a premature translational stop signal (p.Val297Glnfs*20) in the SMARCAL1 gene. It is expected to result in an absent or disrupted protein product. Loss-of-function variants in SMARCAL1 are known to be pathogenic (PMID: 11799392, 20301550). This variant is not present in population databases (gnomAD no frequency). This variant has not been reported in the literature in individuals affected with SMARCAL1-related conditions. For these reasons, this variant has been classified as Pathogenic.

Literature cited by the submitters: PubMed 11799392; PubMed 20301550.